The following is an entry in ClinVar:

ClinVar aggregate classification (germline): Likely pathogenic. Review status: criteria provided, multiple submitters, no conflicts (2 of 4 stars). 2 submissions from 2 submitters: Likely pathogenic (2). Last evaluated 2025-10-14.

Conditions:
DICER1-related tumor predisposition. Also called: DICER1-related pleuropulmonary blastoma cancer predisposition syndrome; DICER1 syndrome. Identifiers: Orphanet 284343, MedGen C3839822, MONDO:0100216.
Hereditary cancer-predisposing syndrome. Also called: Hereditary neoplastic syndrome; Tumor predisposition; Neoplastic Syndromes, Hereditary; Hereditary Cancer Syndrome. Identifiers: Orphanet 140162, MedGen C0027672, MeSH D009386, MONDO:0015356.

Submissions (2):

Labcorp Genetics (formerly Invitae), Labcorp
Classification: Likely pathogenic for DICER1-related tumor predisposition. Last evaluated: 2025-10-14. Review status: criteria provided, single submitter. Criteria: Invitae Variant Classification Sherloc (09022015). Collection method: clinical testing. Allele origin: germline.
Comment: This sequence change affects a donor splice site in intron 24 of the DICER1 gene. It is expected to disrupt RNA splicing. Variants that disrupt the donor or acceptor splice site typically lead to a loss of protein function (PMID: 16199547), and loss-of-function variants in DICER1 are known to be pathogenic (PMID: 19556464, 21266384). This variant is not present in population databases (gnomAD no frequency). This variant has not been reported in the literature in individuals affected with DICER1-related conditions. ClinVar contains an entry for this variant (Variation ID: 429159). Algorithms developed to predict the effect of sequence changes on RNA splicing suggest that this variant may disrupt the consensus splice site. In summary, the currently available evidence indicates that the variant is pathogenic, but additional data are needed to prove that conclusively. Therefore, this variant has been classified as Likely Pathogenic.

Ambry Genetics
Classification: Likely pathogenic for Hereditary cancer-predisposing syndrome. Last evaluated: 2022-02-21. Review status: criteria provided, single submitter. Criteria: Ambry Variant Classification Scheme 2023. Collection method: clinical testing. Allele origin: germline.
Comment: The c.5364+1G>A intronic variant results from a G to A substitution one nucleotide after coding exon 23 of the DICER1 gene. This nucleotide position is highly conserved in available vertebrate species. In silico splice site analysis predicts that this alteration will weaken the native splice donor site. Alterations that disrupt the canonical splice site are expected to cause aberrant splicing, resulting in an abnormal protein or a transcript that is subject to nonsense-mediated mRNA decay. As such, this alteration is classified as likely pathogenic.

Literature cited by the submitters: PubMed 16199547 (cited by Labcorp Genetics (formerly Invitae), Labcorp); PubMed 19556464 (cited by Labcorp Genetics (formerly Invitae), Labcorp); PubMed 21266384 (cited by Labcorp Genetics (formerly Invitae), Labcorp).

NM_177438.3(DICER1):c.5364+1G>A

Gene: DICER1 (dicer 1, ribonuclease III; minus strand). Cytogenetic location: 14q32.13.
Variant type: single nucleotide variant.
Coding change: c.5364+1G>A on transcript NM_177438.3 (MANE Select); the canonical splice donor site of the intron after coding-DNA position 5364, G replaced by A.
Molecular consequence: splice donor variant.
Genome position (GRCh38, 1-based): chr14:95,093,887, C>T on the plus strand (G>A on the coding strand, the complement: DICER1 is on the minus strand). VCF-style: chr14-95093887-C-T. GRCh37 (hg19) VCF-style: chr14-95560224-C-T.
Other names: c.5364+1G>A (NM_001291628.2, NM_030621.4, NM_001395677.1 and 8 more transcripts); c.4959+1G>A (NM_001395690.1, NM_001395687.1, NM_001395689.1 and 1 more transcripts); c.5082+1G>A (NM_001395686.1); c.4797+1G>A (NM_001395691.1); c.3681+1G>A (NM_001395697.1).
Identifiers: ClinVar variation 429159 (VCV000429159.6), dbSNP rs1131691227, ClinGen allele CA390864842.